The following is an entry in ClinVar:

NM_000081.4(LYST):c.11264T>G (p.Ile3755Ser)

Gene: LYST (lysosomal trafficking regulator; minus strand). Cytogenetic location: 1q42.3.
Variant type: single nucleotide variant.
Coding change: c.11264T>G on transcript NM_000081.4 (MANE Select); coding-DNA position 11264, T replaced by G.
Protein change: p.Ile3755Ser; replaces isoleucine 3755 with serine.
Molecular consequence: missense variant.
Genome position (GRCh38, 1-based): chr1:235,663,987, A>C on the plus strand (T>G on the coding strand, the complement: LYST is on the minus strand). VCF-style: chr1-235663987-A-C. GRCh37 (hg19) VCF-style: chr1-235827287-A-C.
Other names: c.11264T>G, p.Ile3755Ser (NM_001301365.1); short protein forms I3755S.
Identifiers: ClinVar variation 4772366 (VCV004772366.1).

ClinVar aggregate classification (germline): Uncertain significance (1 of 4 stars; one submission).

Conditions:
Chédiak-Higashi syndrome (CHS). Also called: Chediak-Higashi Syndrome. Identifiers: Orphanet 167, MedGen C0007965, MONDO:0008963, OMIM 214500.

gnomAD v4.1: 2 of 1,609,502 alleles (0.00012%); highest among the groups gnomAD compares: South Asian, 0.0022%; no homozygotes.

Submission:

Labcorp Genetics (formerly Invitae), Labcorp
Classification: Uncertain significance for Chédiak-Higashi syndrome. Last evaluated: 2025-08-25. Review status: criteria provided, single submitter. Criteria: Invitae Variant Classification Sherloc (09022015). Collection method: clinical testing. Allele origin: germline.
Comment: This sequence change replaces isoleucine, which is neutral and non-polar, with serine, which is neutral and polar, at codon 3755 of the LYST protein (p.Ile3755Ser). This variant is present in population databases (rs769551143, gnomAD 0.01%). This variant has not been reported in the literature in individuals affected with LYST-related conditions. Invitae Evidence Modeling of protein sequence and biophysical properties (such as structural, functional, and spatial information, amino acid conservation, physicochemical variation, residue mobility, and thermodynamic stability) indicates that this missense variant is not expected to disrupt LYST protein function with a negative predictive value of 80%. In summary, the available evidence is currently insufficient to determine the role of this variant in disease. Therefore, it has been classified as a Variant of Uncertain Significance.